The following is an entry in ClinVar:

ClinVar aggregate classification (germline): Uncertain significance (1 of 4 stars; one submission).

gnomAD v4.1: 1 of 1,613,012 alleles (0.000062%); highest among the groups gnomAD compares: Admixed American, 0.0017%; no homozygotes.

Submission:

GeneDx
Classification: Uncertain significance. Last evaluated: 2024-01-03. Review status: criteria provided, single submitter. Criteria: GeneDx Variant Classification Process June 2021. Collection method: clinical testing. Allele origin: germline. Affected: yes.
Comment: Not observed at significant frequency in large population cohorts (gnomAD); In silico analysis supports that this missense variant does not alter protein structure/function; Has not been previously published as pathogenic or benign to our knowledge

NM_182978.4(GNAL):c.1336A>G (p.Ile446Val)

Gene: GNAL (G protein subunit alpha L; plus strand). Cytogenetic location: 18p11.21.
Variant type: single nucleotide variant.
Coding change: c.1336A>G on transcript NM_182978.4 (MANE Select); coding-DNA position 1336, A replaced by G.
Protein change: p.Ile446Val; replaces isoleucine 446 with valine.
Molecular consequence: missense variant.
Genome position (GRCh38, 1-based): chr18:11,881,094, A>G. VCF-style: chr18-11881094-A-G. GRCh37 (hg19) VCF-style: chr18-11881093-A-G.
Other names: c.1105A>G, p.Ile369Val (NM_001142339.3, NM_001261443.2, NM_001369387.1); c.484A>G, p.Ile162Val (NM_001261444.2); short protein forms I162V, I369V, I446V.
Identifiers: ClinVar variation 3367254 (VCV003367254.1).
Genomic context (GRCh38, chr18:11,881,094, plus strand): 5'-CACTTCACCTGCGCCGTGGACACAGAGAACATCCGCAGGGTGTTCAACGACTGCCGCGAC[A>G]TCATCCAGCGGATGCACCTCAAGCAGTATGAGCTCTTGTGAGGATGCTGCCGCCACCCTG-3'
Protein context (NP_892023.1, residues 436-456): IRRVFNDCRD[Ile446Val]IQRMHLKQYE